The following is an entry in ClinVar:

NM_000744.7(CHRNA4):c.1663C>T (p.Pro555Ser)

Gene: CHRNA4 (cholinergic receptor nicotinic alpha 4 subunit; minus strand). Cytogenetic location: 20q13.33.
Variant type: single nucleotide variant.
Coding change: c.1663C>T on transcript NM_000744.7 (MANE Select); coding-DNA position 1663, C replaced by T.
Protein change: p.Pro555Ser; replaces proline 555 with serine.
Molecular consequence: missense variant. On other transcripts: non-coding transcript variant (1).
Genome position (GRCh38, 1-based): chr20:63,349,748, G>A on the plus strand (C>T on the coding strand, the complement: CHRNA4 is on the minus strand). VCF-style: chr20-63349748-G-A. GRCh37 (hg19) VCF-style: chr20-61981100-G-A.
Other names: c.1135C>T, p.Pro379Ser (NM_001256573.2); short protein forms P555S, P379S.
Identifiers: ClinVar variation 658701 (VCV000658701.12), dbSNP rs757510859, ClinGen allele CA9957558.

ClinVar aggregate classification (germline): Uncertain significance. Review status: criteria provided, multiple submitters, no conflicts (2 of 4 stars). 2 submissions from 2 submitters: Uncertain significance (2). Last evaluated 2025-11-05.

Conditions:
Familial sleep-related hypermotor epilepsy. Also called: Autosomal Dominant Sleep-Related Hypermotor (Hyperkinetic) Epilepsy. Identifiers: Orphanet 98784, MedGen C3696898, MONDO:0000030.

Allele frequency attached by ClinVar (database versions not stated): gnomAD exomes below 0.00001; ExAC 0.00001.

Submissions (2):

Labcorp Genetics (formerly Invitae), Labcorp
Classification: Uncertain significance. Last evaluated: 2025-11-05. Review status: criteria provided, single submitter. Criteria: Invitae Variant Classification Sherloc (09022015). Collection method: clinical testing. Allele origin: germline.
Comment: This sequence change replaces proline, which is neutral and non-polar, with serine, which is neutral and polar, at codon 555 of the CHRNA4 protein (p.Pro555Ser). The frequency data for this variant in the population databases is considered unreliable, as metrics indicate poor data quality at this position in the gnomAD database. This variant has not been reported in the literature in individuals affected with CHRNA4-related conditions. ClinVar contains an entry for this variant (Variation ID: 658701). Invitae Evidence Modeling of protein sequence and biophysical properties (such as structural, functional, and spatial information, amino acid conservation, physicochemical variation, residue mobility, and thermodynamic stability) indicates that this missense variant is not expected to disrupt CHRNA4 protein function with a negative predictive value of 80%. In summary, the available evidence is currently insufficient to determine the role of this variant in disease. Therefore, it has been classified as a Variant of Uncertain Significance.

GeneDx
Classification: Uncertain significance. Last evaluated: 2022-03-28. Review status: criteria provided, single submitter. Criteria: GeneDx Variant Classification Process June 2021. Collection method: clinical testing. Allele origin: germline. Affected: yes.
Comment: Not observed at significant frequency in large population cohorts (gnomAD); In silico analysis supports that this missense variant does not alter protein structure/function; Has not been previously published as pathogenic or benign to our knowledge